The following is an entry in ClinVar:

ClinVar aggregate classification (germline): Uncertain significance. Review status: criteria provided, multiple submitters, no conflicts (2 of 4 stars). 4 submissions from 4 submitters: Uncertain significance (4). Last evaluated 2025-11-10.

Conditions:
Lynch syndrome 4 (LYNCH4). Also called: Colorectal cancer, hereditary nonpolyposis, type 4; Hereditary non-polyposis colorectal cancer, type 4. Identifiers: Orphanet 144, MedGen C1838333, MONDO:0013699, OMIM 614337. Disease mechanism: loss of function.
Hereditary nonpolyposis colorectal neoplasms. Identifiers: MedGen C0009405, MeSH D003123.
Hereditary cancer-predisposing syndrome. Also called: Hereditary Cancer Syndrome; Tumor predisposition; Neoplastic Syndromes, Hereditary; Hereditary neoplastic syndrome. Identifiers: Orphanet 140162, MedGen C0027672, MeSH D009386, MONDO:0015356.

Allele frequency attached by ClinVar (database versions not stated): gnomAD exomes below 0.00001 and 0.00001; gnomAD 0.00001.
gnomAD v4.1: 8 of 1,545,424 alleles (0.00052%); highest among the groups gnomAD compares: South Asian, 0.0011%; no homozygotes.

Submissions (4):

Ambry Genetics
Classification: Uncertain significance for Hereditary cancer-predisposing syndrome. Last evaluated: 2025-11-10. Review status: criteria provided, single submitter. Criteria: Ambry Variant Classification Scheme 2023. Collection method: clinical testing. Allele origin: germline.
Comment: The p.H264R variant (also known as c.791A>G), located in coding exon 7 of the PMS2 gene, results from an A to G substitution at nucleotide position 791. The histidine at codon 264 is replaced by arginine, an amino acid with highly similar properties. This amino acid position is not well conserved in available vertebrate species. In addition, this alteration is predicted to be tolerated by in silico analysis. Since supporting evidence is limited at this time, the clinical significance of this alteration remains unclear.

Labcorp Genetics (formerly Invitae), Labcorp
Classification: Uncertain significance for Hereditary nonpolyposis colorectal neoplasms. Last evaluated: 2025-03-26. Review status: criteria provided, single submitter. Criteria: Invitae Variant Classification Sherloc (09022015). Collection method: clinical testing. Allele origin: germline.
Comment: This sequence change replaces histidine, which is basic and polar, with arginine, which is basic and polar, at codon 264 of the PMS2 protein (p.His264Arg). The frequency data for this variant in the population databases is considered unreliable, as metrics indicate poor data quality at this position in the gnomAD database. This variant has not been reported in the literature in individuals affected with PMS2-related conditions. ClinVar contains an entry for this variant (Variation ID: 863758). Invitae Evidence Modeling incorporating data from in vitro experimental studies (internal data) indicates that this missense variant is not expected to disrupt PMS2 function with a negative predictive value of 95%. In summary, the available evidence is currently insufficient to determine the role of this variant in disease. Therefore, it has been classified as a Variant of Uncertain Significance.

Color Diagnostics, LLC DBA Color Health
Classification: Uncertain significance for Hereditary cancer-predisposing syndrome. Last evaluated: 2024-04-01. Review status: criteria provided, single submitter. Criteria: ACMG Guidelines, 2015. Collection method: clinical testing. Allele origin: germline.
Comment: This missense variant replaces histidine with arginine at codon 264 of the PMS2 protein. Computational prediction suggests that this variant may not impact protein structure and function (internally defined REVEL score threshold <= 0.5, PMID: 27666373). To our knowledge, functional studies have not been reported for this variant. This variant has been reported in a pancreatic cancer case-control study in which it was detected in one unaffected individual and absent in cancer cases (PMID: 32980694). This variant has been identified in 2/281586 chromosomes in the general population by the Genome Aggregation Database (gnomAD). The available evidence is insufficient to determine the role of this variant in disease conclusively. Therefore, this variant is classified as a Variant of Uncertain Significance.

Baylor Genetics
Classification: Uncertain significance for Lynch syndrome 4. Last evaluated: 2023-06-15. Review status: criteria provided, single submitter. Criteria: ACMG Guidelines, 2015. Collection method: clinical testing. Allele origin: unknown.

Literature cited by the submitters: PubMed 32980694 (cited by Color Diagnostics, LLC DBA Color Health).

NM_000535.7(PMS2):c.791A>G (p.His264Arg)

Gene: PMS2 (PMS1 homolog 2, mismatch repair system component; minus strand). Cytogenetic location: 7p22.1.
Variant type: single nucleotide variant.
Coding change: c.791A>G on transcript NM_000535.7 (MANE Select); coding-DNA position 791, A replaced by G.
Protein change: p.His264Arg; replaces histidine 264 with arginine.
Molecular consequence: missense variant. On other transcripts: 5 prime UTR variant (2), non-coding transcript variant (1).
Genome position (GRCh38, 1-based): chr7:5,997,338, T>C on the plus strand (A>G on the coding strand, the complement: PMS2 is on the minus strand). VCF-style: chr7-5997338-T-C. GRCh37 (hg19) VCF-style: chr7-6036969-T-C.
Other names: c.386A>G, p.His129Arg (NM_001322003.2, NM_001322004.2, NM_001322005.2 and 2 more transcripts); c.791A>G, p.His264Arg (NM_001322006.2, NM_001322014.2); c.473A>G, p.His158Arg (NM_001322007.2, NM_001322008.2); c.-143A>G (NM_001322011.2, NM_001322012.2); c.218A>G, p.His73Arg (NM_001322013.2); c.482A>G, p.His161Arg (NM_001322015.2); short protein forms H161R, H129R, H158R, H264R, H73R.
Identifiers: ClinVar variation 863758 (VCV000863758.14), dbSNP rs1060503129, ClinGen allele CA366743628.